The following is an entry in ClinVar:

NM_000642.3(AGL):c.3124T>C (p.Leu1042=)

Gene: AGL (amylo-alpha-1,6-glucosidase and 4-alpha-glucanotransferase; plus strand). Cytogenetic location: 1p21.2.
Variant type: single nucleotide variant.
Coding change: c.3124T>C on transcript NM_000642.3 (MANE Select); coding-DNA position 3124, T replaced by C.
Protein change: p.Leu1042=; no amino-acid change (leucine 1042 retained).
Molecular consequence: synonymous variant.
Genome position (GRCh38, 1-based): chr1:99,892,472, T>C. VCF-style: chr1-99892472-T-C. GRCh37 (hg19) VCF-style: chr1-100358028-T-C.
Other names: c.3124T>C (NM_000642.2); c.3124T>C, p.Leu1042= (NM_000028.3, NM_000643.3, NM_000644.3 and 1 more transcripts); c.3076T>C, p.Leu1026= (NM_000646.3); c.3103T>C, p.Leu1035= (NM_001425326.1); c.2923T>C, p.Leu975= (NM_001425327.1); c.2920T>C, p.Leu974= (NM_001425328.1); c.2785T>C, p.Leu929= (NM_001425329.1); c.2746T>C, p.Leu916= (NM_001425332.1).
Identifiers: ClinVar variation 1104266 (VCV001104266.9), dbSNP rs764821272, ClinGen allele CA966982.

ClinVar aggregate classification (germline): Likely benign. Review status: criteria provided, single submitter (1 of 4 stars). 2 submissions from 2 submitters: Likely benign (1). 1 of the submissions does not count toward it. Last evaluated 2026-01-16.

Conditions:
Glycogen storage disease type III (GSD3). Also called: Cori disease; FORBES DISEASE. Identifiers: Orphanet 366, MedGen C0017922, MONDO:0009291, OMIM 232400.
AGL-related disorder. Also called: AGL-related condition.

Allele frequency attached by ClinVar (database versions not stated): gnomAD 0.00001 and 0.00002.
gnomAD v4.1: 27 of 1,613,506 alleles (0.0017%); highest among the groups gnomAD compares: East Asian, 0.0067%; no homozygotes.

Submissions (2):

Labcorp Genetics (formerly Invitae), Labcorp
Classification: Likely benign for Glycogen storage disease type III. Last evaluated: 2026-01-16. Review status: criteria provided, single submitter. Criteria: Invitae Variant Classification Sherloc (09022015). Collection method: clinical testing. Allele origin: germline.

PreventionGenetics, part of Exact Sciences
Classification: Likely benign for AGL-related condition. Last evaluated: 2019-04-04. Review status: no assertion criteria provided. Collection method: clinical testing. Allele origin: germline. Not counted in ClinVar's aggregate classification.
Comment: This variant is classified as likely benign based on ACMG/AMP sequence variant interpretation guidelines (Richards et al. 2015 PMID: 25741868, with internal and published modifications).